The following is an entry in ClinVar:

NM_004448.4(ERBB2):c.365C>T (p.Pro122Leu)

Gene: ERBB2 (erb-b2 receptor tyrosine kinase 2; plus strand). Cytogenetic location: 17q12.
Variant type: single nucleotide variant.
Coding change: c.365C>T on transcript NM_004448.4 (MANE Select); coding-DNA position 365, C replaced by T.
Protein change: p.Pro122Leu; replaces proline 122 with leucine.
Molecular consequence: missense variant. On other transcripts: non-coding transcript variant (1), intron variant (1).
Genome position (GRCh38, 1-based): chr17:39,708,460, C>T. VCF-style: chr17-39708460-C-T. GRCh37 (hg19) VCF-style: chr17-37864713-C-T.
Other names: c.275C>T, p.Pro92Leu (NM_001005862.3, NM_001289938.2, NM_001382782.1 and 1 more transcripts); c.320C>T, p.Pro107Leu (NM_001289936.2); c.365C>T, p.Pro122Leu (NM_001289937.2, NM_001382784.1, NM_001382785.1 and 19 more transcripts); c.356C>T, p.Pro119Leu (NM_001382791.1); c.74-3468C>T (NM_001382804.1); short protein forms P107L, P122L, P92L, P119L.
Identifiers: ClinVar variation 863803 (VCV000863803.9), dbSNP rs370959592, ClinGen allele CA8533605.

ClinVar aggregate classification (germline): Uncertain significance (1 of 4 stars; one submission).

Allele frequency attached by ClinVar (database versions not stated): TOPMed 0.00001; ExAC 0.00002; gnomAD 0.00002 and 0.00003; gnomAD exomes 0.00003 and 0.00005; ESP Exome Variant Server 0.00008.
gnomAD v4.1: 55 of 1,614,074 alleles (0.0034%); highest among the groups gnomAD compares: Middle Eastern, 0.016%; no homozygotes.

Submission:

Labcorp Genetics (formerly Invitae), Labcorp
Classification: Uncertain significance. Last evaluated: 2023-03-16. Review status: criteria provided, single submitter. Criteria: Invitae Variant Classification Sherloc (09022015). Collection method: clinical testing. Allele origin: germline.
Comment: Advanced modeling of protein sequence and biophysical properties (such as structural, functional, and spatial information, amino acid conservation, physicochemical variation, residue mobility, and thermodynamic stability) performed at Invitae indicates that this missense variant is not expected to disrupt ERBB2 protein function. ClinVar contains an entry for this variant (Variation ID: 863803). This variant has not been reported in the literature in individuals affected with ERBB2-related conditions. This variant is present in population databases (rs370959592, gnomAD 0.009%). This sequence change replaces proline, which is neutral and non-polar, with leucine, which is neutral and non-polar, at codon 122 of the ERBB2 protein (p.Pro122Leu). In summary, the available evidence is currently insufficient to determine the role of this variant in disease. Therefore, it has been classified as a Variant of Uncertain Significance.